The following is an entry in ClinVar:

ClinVar aggregate classification (germline): Uncertain significance (1 of 4 stars; one submission).

Conditions:
Familial thoracic aortic aneurysm and aortic dissection (TAAD). Also called: Thoracic aortic aneurysms and dissections. Identifiers: Orphanet 91387, MedGen C4707243, MONDO:0019625.

gnomAD v4.1: 4 of 1,614,074 alleles (0.00025%); highest among the groups gnomAD compares: South Asian, 0.0044%; no homozygotes.

Submission:

Labcorp Genetics (formerly Invitae), Labcorp
Classification: Uncertain significance for Familial thoracic aortic aneurysm and aortic dissection. Last evaluated: 2022-01-11. Review status: criteria provided, single submitter. Criteria: Invitae Variant Classification Sherloc (09022015). Collection method: clinical testing. Allele origin: germline.
Comment: This variant is present in population databases (rs768667498, gnomAD 0.003%). This sequence change replaces alanine, which is neutral and non-polar, with proline, which is neutral and non-polar, at codon 306 of the TGFBR1 protein (p.Ala306Pro). This variant has not been reported in the literature in individuals affected with TGFBR1-related conditions. Advanced modeling of protein sequence and biophysical properties (such as structural, functional, and spatial information, amino acid conservation, physicochemical variation, residue mobility, and thermodynamic stability) performed at Invitae indicates that this missense variant is expected to disrupt TGFBR1 protein function. In summary, the available evidence is currently insufficient to determine the role of this variant in disease. Therefore, it has been classified as a Variant of Uncertain Significance.

NM_004612.4(TGFBR1):c.916G>C (p.Ala306Pro)

Gene: TGFBR1 (transforming growth factor beta receptor 1; plus strand). Cytogenetic location: 9q22.33.
Variant type: single nucleotide variant.
Coding change: c.916G>C on transcript NM_004612.4 (MANE Select); coding-DNA position 916, G replaced by C.
Protein change: p.Ala306Pro; replaces alanine 306 with proline.
Molecular consequence: missense variant.
Genome position (GRCh38, 1-based): chr9:99,142,646, G>C. VCF-style: chr9-99142646-G-C. GRCh37 (hg19) VCF-style: chr9-101904928-G-C.
Other names: c.685G>C, p.Ala229Pro (NM_001130916.3, NM_001407435.1); c.928G>C, p.Ala310Pro (NM_001306210.2); c.721G>C, p.Ala241Pro (NM_001407418.1, NM_001407419.1, NM_001407420.1 and 1 more transcripts); c.709G>C, p.Ala237Pro (NM_001407423.1, NM_001407424.1, NM_001407425.1 and 8 more transcripts); c.670G>C, p.Ala224Pro (NM_001407436.1); c.208G>C, p.Ala70Pro (NM_001407437.1); c.439G>C, p.Ala147Pro (NM_001407438.1); short protein forms A224P, A241P, A70P, A147P, A237P, A306P, A229P, A310P.
Identifiers: ClinVar variation 2161589 (VCV002161589.4), dbSNP rs768667498, ClinGen allele CA043319.